The following is an entry in ClinVar:

ClinVar aggregate classification (germline): Uncertain significance (1 of 4 stars; one submission).

Conditions:
Aortic aneurysm, familial thoracic 7 (AAT7). Also called: AORTIC DISSECTION, FAMILIAL, WITH OR WITHOUT AORTIC ANEURYSM. Identifiers: MedGen C3151077, MONDO:0013418, OMIM 613780.

Submission:

Labcorp Genetics (formerly Invitae), Labcorp
Classification: Uncertain significance for Aortic aneurysm, familial thoracic 7. Last evaluated: 2025-08-30. Review status: criteria provided, single submitter. Criteria: Invitae Variant Classification Sherloc (09022015). Collection method: clinical testing. Allele origin: germline.
Comment: This sequence change replaces proline, which is neutral and non-polar, with histidine, which is basic and polar, at codon 1025 of the MYLK protein (p.Pro1025His). This variant is not present in population databases (gnomAD no frequency). This variant has not been reported in the literature in individuals affected with MYLK-related conditions. Invitae Evidence Modeling of protein sequence and biophysical properties (such as structural, functional, and spatial information, amino acid conservation, physicochemical variation, residue mobility, and thermodynamic stability) indicates that this missense variant is not expected to disrupt MYLK protein function with a negative predictive value of 80%. In summary, the available evidence is currently insufficient to determine the role of this variant in disease. Therefore, it has been classified as a Variant of Uncertain Significance.

NM_053025.4(MYLK):c.3074C>A (p.Pro1025His)

Gene: MYLK (myosin light chain kinase; minus strand). Cytogenetic location: 3q21.1.
Variant type: single nucleotide variant.
Coding change: c.3074C>A on transcript NM_053025.4 (MANE Select); coding-DNA position 3074, C replaced by A.
Protein change: p.Pro1025His; replaces proline 1025 with histidine.
Molecular consequence: missense variant.
Genome position (GRCh38, 1-based): chr3:123,700,394, G>T on the plus strand (C>A on the coding strand, the complement: MYLK is on the minus strand). VCF-style: chr3-123700394-G-T. GRCh37 (hg19) VCF-style: chr3-123419241-G-T.
Other names: c.2546C>A, p.Pro849His (NM_001321309.2); c.2867C>A, p.Pro956His (NM_053026.4, NM_053028.4); c.3074C>A, p.Pro1025His (NM_053027.4); short protein forms P849H, P1025H, P956H.
Identifiers: ClinVar variation 4746397 (VCV004746397.1).